The following is an entry in ClinVar:

ClinVar aggregate classification (germline): Uncertain significance. Review status: criteria provided, single submitter (1 of 4 stars). 2 submissions from 2 submitters: Uncertain significance (1). 1 of the submissions does not count toward it. Last evaluated 2023-10-30.

Conditions:
ISL1-related disorder. Also called: ISL1-related condition.

Allele frequency attached by ClinVar (database versions not stated): TOPMed 0.00009; ExAC 0.00013; gnomAD 0.00013; ESP Exome Variant Server 0.00017; gnomAD exomes 0.00017.
gnomAD v4.1: 262 of 1,613,896 alleles (0.016%); highest among the groups gnomAD compares: Non-Finnish European, 0.02%; no homozygotes.

Submissions (2):

Ambry Genetics
Classification: Uncertain significance. Last evaluated: 2023-10-30. Review status: criteria provided, single submitter. Criteria: Ambry Variant Classification Scheme 2023. Collection method: clinical testing. Allele origin: germline.

PreventionGenetics, part of Exact Sciences
Classification: Uncertain significance for ISL1-related condition. Last evaluated: 2024-09-24. Review status: no assertion criteria provided. Collection method: clinical testing. Allele origin: germline. Not counted in ClinVar's aggregate classification.
Comment: The ISL1 c.985G>A variant is predicted to result in the amino acid substitution p.Ala329Thr. To our knowledge, this variant has not been reported in the literature. This variant is reported in 0.032% of alleles in individuals of European (Finnish) descent in gnomAD. At this time, the clinical significance of this variant is uncertain due to the absence of conclusive functional and genetic evidence.

NM_002202.3(ISL1):c.985G>A (p.Ala329Thr)

Gene: ISL1 (ISL LIM homeobox 1; plus strand). Cytogenetic location: 5q11.1.
Variant type: single nucleotide variant.
Coding change: c.985G>A on transcript NM_002202.3 (MANE Select); coding-DNA position 985, G replaced by A.
Protein change: p.Ala329Thr; replaces alanine 329 with threonine.
Molecular consequence: missense variant.
Genome position (GRCh38, 1-based): chr5:51,393,545, G>A. VCF-style: chr5-51393545-G-A. GRCh37 (hg19) VCF-style: chr5-50689379-G-A.
Other names: short protein forms A329T.
Identifiers: ClinVar variation 2634326 (VCV002634326.4), dbSNP rs199961324, ClinGen allele CA3261143.